The following is an entry in ClinVar:

ClinVar aggregate classification (germline): Uncertain significance (1 of 4 stars; one submission).

Submission:

Labcorp Genetics (formerly Invitae), Labcorp
Classification: Uncertain significance. Last evaluated: 2023-08-22. Review status: criteria provided, single submitter. Criteria: Invitae Variant Classification Sherloc (09022015). Collection method: clinical testing. Allele origin: germline.
Comment: This sequence change replaces arginine, which is basic and polar, with glutamine, which is neutral and polar, at codon 1873 of the SRCAP protein (p.Arg1873Gln). This variant is not present in population databases (gnomAD no frequency). This variant has not been reported in the literature in individuals affected with SRCAP-related conditions. ClinVar contains an entry for this variant (Variation ID: 2104827). Advanced modeling of protein sequence and biophysical properties (such as structural, functional, and spatial information, amino acid conservation, physicochemical variation, residue mobility, and thermodynamic stability) has been performed at Invitae for this missense variant, however the output from this modeling did not meet the statistical confidence thresholds required to predict the impact of this variant on SRCAP protein function. In summary, the available evidence is currently insufficient to determine the role of this variant in disease. Therefore, it has been classified as a Variant of Uncertain Significance.

NM_006662.3(SRCAP):c.5618G>A (p.Arg1873Gln)

Gene: SRCAP (Snf2 related CREBBP activator protein; plus strand). Cytogenetic location: 16p11.2.
Variant type: single nucleotide variant.
Coding change: c.5618G>A on transcript NM_006662.3 (MANE Select); coding-DNA position 5618, G replaced by A.
Protein change: p.Arg1873Gln; replaces arginine 1873 with glutamine.
Molecular consequence: missense variant.
Genome position (GRCh38, 1-based): chr16:30,725,042, G>A. VCF-style: chr16-30725042-G-A. GRCh37 (hg19) VCF-style: chr16-30736363-G-A.
Other names: short protein forms R1873Q.
Identifiers: ClinVar variation 2104827 (VCV002104827.4), dbSNP rs1275856577, ClinGen allele CA395619227.